The following is an entry in ClinVar:

ClinVar aggregate classification (germline): Conflicting classifications of pathogenicity. Review status: criteria provided, conflicting classifications (1 of 4 stars). 2 submissions from 2 submitters: Likely pathogenic (1); Uncertain significance (1). Last evaluated 2025-08-29.

Conditions:
Hypophosphatasia. Also called: Phosphoethanol-aminuria. Identifiers: Orphanet 436, MedGen C0020630, MeSH D007014, MONDO:0018570.

Submissions (2):

Genomenon, Inc
Classification: Likely pathogenic for Hypophosphatasia. Last evaluated: 2025-08-29. Review status: criteria provided, single submitter. Criteria: Genomenon Sequence Variant Interpretation Standards. Collection method: curation. Allele origin: germline. Affected: yes.
Comment: ALPL c.184A>T is a missense variant that changes the amino acid at residue 62 from Methionine to Leucine. This variant has been observed in at least one proband affected with hypophosphatasia (PMID:10094560). Functional studies have been reported;however, the significance of the findings remain unclear (PMID:10332035). This variant is also reported as Met45Leu in the literature. It is absent or not present at a significant frequency in gnomAD. In silico models agree that this variant is possibly or probably damaging. The presence of pathogenic missense variant(s) at the same amino acid position indicates that this residue is likely important for protein function. In conclusion, we classify ALPL p.Met62Leu (c.184A>T) as a likely pathogenic variant.

CeGaT Center for Human Genetics Tuebingen
Classification: Uncertain significance. Last evaluated: 2022-07-01. Review status: criteria provided, single submitter. Criteria: CeGaT Center For Human Genetics Tuebingen Variant Classification Criteria Version 2. Collection method: clinical testing. Allele origin: germline. Affected: yes. Observed: 1 variant allele.
Comment: ALPL: PM2, PM3:Supporting

Literature cited by the submitters: PubMed 10094560 (cited by Genomenon, Inc); PubMed 10332035 (cited by Genomenon, Inc).

NM_000478.6(ALPL):c.184A>T (p.Met62Leu)

Gene: ALPL (alkaline phosphatase, biomineralization associated; plus strand). Cytogenetic location: 1p36.12.
Variant type: single nucleotide variant.
Coding change: c.184A>T on transcript NM_000478.6 (MANE Select); coding-DNA position 184, A replaced by T.
Protein change: p.Met62Leu; replaces methionine 62 with leucine.
Molecular consequence: missense variant. On other transcripts: intron variant (1).
Genome position (GRCh38, 1-based): chr1:21,561,099, A>T. VCF-style: chr1-21561099-A-T. GRCh37 (hg19) VCF-style: chr1-21887592-A-T.
Other names: c.19A>T, p.Met7Leu (NM_001127501.4); c.184A>T, p.Met62Leu (NM_001369803.2, NM_001369804.2, NM_001369805.2); c.66+354A>T (NM_001177520.3); short protein forms M62L, M7L.
Identifiers: ClinVar variation 2638448 (VCV002638448.25), dbSNP rs1644478213, ClinGen allele CA338877833.
Genomic context (GRCh38, chr1:21,561,099, plus strand): 5'-GCAGGCTGATTGGAGAGGCAGGAGCACGAGAGACTGAGGCCCCCACTCCCCACTGCAGGG[A>T]TGGGTGTCTCCACAGTGACGGCTGCCCGCATCCTCAAGGGTCAGCTCCACCACAACCCTG-3'
Protein context (NP_000469.3, residues 52-72): KNVIMFLGDG[Met62Leu]GVSTVTAARI